The following is an entry in ClinVar:

ClinVar aggregate classification (germline): Uncertain significance (1 of 4 stars; one submission).

Allele frequency attached by ClinVar (database versions not stated): gnomAD 0.00001; gnomAD exomes 0.00001; TOPMed below 0.00001.
gnomAD v4.1: 7 of 1,183,754 alleles (0.00059%); highest among the groups gnomAD compares: South Asian, 0.0019%; no homozygotes.

Submission:

Labcorp Genetics (formerly Invitae), Labcorp
Classification: Uncertain significance. Last evaluated: 2025-09-15. Review status: criteria provided, single submitter. Criteria: Invitae Variant Classification Sherloc (09022015). Collection method: clinical testing. Allele origin: germline.
Comment: This sequence change replaces proline, which is neutral and non-polar, with leucine, which is neutral and non-polar, at codon 550 of the SH3KBP1 protein (p.Pro550Leu). This variant is not present in population databases (gnomAD no frequency). This variant has not been reported in the literature in individuals affected with SH3KBP1-related conditions. ClinVar contains an entry for this variant (Variation ID: 2871951). An algorithm developed to predict the effect of missense changes on protein structure and function outputs the following: PolyPhen-2: "Benign". The leucine amino acid residue is found in multiple mammalian species, which suggests that this missense change does not adversely affect protein function. In summary, the available evidence is currently insufficient to determine the role of this variant in disease. Therefore, it has been classified as a Variant of Uncertain Significance.

NM_031892.3(SH3KBP1):c.1649C>T (p.Pro550Leu)

Gene: SH3KBP1 (SH3 domain containing kinase binding protein 1; minus strand). Cytogenetic location: Xp22.12.
Variant type: single nucleotide variant.
Coding change: c.1649C>T on transcript NM_031892.3 (MANE Select); coding-DNA position 1649, C replaced by T.
Protein change: p.Pro550Leu; replaces proline 550 with leucine.
Molecular consequence: missense variant.
Genome position (GRCh38, 1-based): chrX:19,542,168, G>A on the plus strand (C>T on the coding strand, the complement: SH3KBP1 is on the minus strand). VCF-style: chrX-19542168-G-A. GRCh37 (hg19) VCF-style: chrX-19560286-G-A.
Other names: c.1538C>T, p.Pro513Leu (NM_001024666.3); c.935C>T, p.Pro312Leu (NM_001184960.2); c.1520C>T, p.Pro507Leu (NM_001353890.2); c.1724C>T, p.Pro575Leu (NM_001353891.2); c.1595C>T, p.Pro532Leu (NM_001353892.2); c.1547C>T, p.Pro516Leu (NM_001353893.2); c.1418C>T, p.Pro473Leu (NM_001353894.2); c.1475C>T, p.Pro492Leu (NM_001353895.2); and 4 more; short protein forms P473L, P492L, P507L, P516L, P575L, P269L, P312L, P532L.
Identifiers: ClinVar variation 2871951 (VCV002871951.3), dbSNP rs2064933821, ClinGen allele CA412496108.